The following is an entry in ClinVar:

NM_000238.4(KCNH2):c.2353G>A (p.Gly785Ser)

Gene: KCNH2 (potassium voltage-gated channel subfamily H member 2; minus strand). Cytogenetic location: 7q36.1.
Variant type: single nucleotide variant.
Coding change: c.2353G>A on transcript NM_000238.4 (MANE Select); coding-DNA position 2353, G replaced by A.
Protein change: p.Gly785Ser; replaces glycine 785 with serine.
Molecular consequence: missense variant. On other transcripts: non-coding transcript variant (2).
Genome position (GRCh38, 1-based): chr7:150,950,213, C>T on the plus strand (G>A on the coding strand, the complement: KCNH2 is on the minus strand). VCF-style: chr7-150950213-C-T. GRCh37 (hg19) VCF-style: chr7-150647301-C-T.
Other names: c.1333G>A, p.Gly445Ser (NM_001204798.2, NM_172057.3); c.2065G>A, p.Gly689Ser (NM_001406753.1, NM_001406756.1); c.2176G>A, p.Gly726Ser (NM_001406755.1); c.2053G>A, p.Gly685Ser (NM_001406757.1); c.2353G>A, p.Gly785Ser (NM_172056.3); short protein forms G689S, G726S, G445S, G785S, G685S.
Identifiers: ClinVar variation 2735097 (VCV002735097.3), dbSNP rs2486024901, ClinGen allele CA369856059.

ClinVar aggregate classification (germline): Uncertain significance (1 of 4 stars; one submission).

Conditions:
Long QT syndrome (LQTS). Identifiers: MedGen C0023976, MeSH D008133, MONDO:0002442. Disease mechanism: loss of function. Inheritance: Various modes of inheritance.

Submission:

Labcorp Genetics (formerly Invitae), Labcorp
Classification: Uncertain significance for Long QT syndrome. Last evaluated: 2023-08-16. Review status: criteria provided, single submitter. Criteria: Invitae Variant Classification Sherloc (09022015). Collection method: clinical testing. Allele origin: germline.
Comment: This sequence change replaces glycine, which is neutral and non-polar, with serine, which is neutral and polar, at codon 785 of the KCNH2 protein (p.Gly785Ser). This variant is not present in population databases (gnomAD no frequency). This missense change has been observed in individual(s) with long QT syndrome (PMID: 26669661). An algorithm developed to predict the effect of missense changes on protein structure and function (PolyPhen-2) suggests that this variant is likely to be disruptive. In summary, the available evidence is currently insufficient to determine the role of this variant in disease. Therefore, it has been classified as a Variant of Uncertain Significance.

Literature cited by the submitters: PubMed 26669661.